The following is an entry in ClinVar:

NM_024747.6(HPS6):c.1195G>A (p.Ala399Thr)

Gene: HPS6 (HPS6 biogenesis of lysosomal organelles complex 2 subunit 3; plus strand). Cytogenetic location: 10q24.32.
Variant type: single nucleotide variant.
Coding change: c.1195G>A on transcript NM_024747.6 (MANE Select); coding-DNA position 1195, G replaced by A.
Protein change: p.Ala399Thr; replaces alanine 399 with threonine.
Molecular consequence: missense variant.
Genome position (GRCh38, 1-based): chr10:102,066,669, G>A. VCF-style: chr10-102066669-G-A. GRCh37 (hg19) VCF-style: chr10-103826426-G-A.
Other names: short protein forms A399T.
Identifiers: ClinVar variation 1002927 (VCV001002927.6), dbSNP rs1374391916, ClinGen allele CA377865457.

ClinVar aggregate classification (germline): Uncertain significance (1 of 4 stars; one submission).

Allele frequency attached by ClinVar (database versions not stated): gnomAD exomes below 0.00001 and 0.00002; TOPMed below 0.00001; gnomAD 0.00001.

Submission:

Labcorp Genetics (formerly Invitae), Labcorp
Classification: Uncertain significance. Last evaluated: 2021-08-27. Review status: criteria provided, single submitter. Criteria: Invitae Variant Classification Sherloc (09022015). Collection method: clinical testing. Allele origin: germline.
Comment: This sequence change replaces alanine with threonine at codon 399 of the HPS6 protein (p.Ala399Thr). The alanine residue is moderately conserved and there is a small physicochemical difference between alanine and threonine. This variant is not present in population databases (ExAC no frequency). This variant has not been reported in the literature in individuals affected with HPS6-related conditions. Algorithms developed to predict the effect of missense changes on protein structure and function output the following: SIFT: "Tolerated"; PolyPhen-2: "Benign"; Align-GVGD: "Class C0". The threonine amino acid residue is found in multiple mammalian species, which suggests that this missense change does not adversely affect protein function. In summary, the available evidence is currently insufficient to determine the role of this variant in disease. Therefore, it has been classified as a Variant of Uncertain Significance.